The following is an entry in ClinVar:

NM_017636.4(TRPM4):c.408C>A (p.Asp136Glu)

Gene: TRPM4 (transient receptor potential cation channel subfamily M member 4; plus strand). Cytogenetic location: 19q13.33.
Variant type: single nucleotide variant.
Coding change: c.408C>A on transcript NM_017636.4 (MANE Select); coding-DNA position 408, C replaced by A.
Protein change: p.Asp136Glu; replaces aspartic acid 136 with glutamic acid.
Molecular consequence: missense variant. On other transcripts: intron variant (4).
Genome position (GRCh38, 1-based): chr19:49,168,057, C>A. VCF-style: chr19-49168057-C-A. GRCh37 (hg19) VCF-style: chr19-49671314-C-A.
Other names: c.408C>A, p.Asp136Glu (NM_001195227.2); c.-1105-203C>A (NM_001321282.2); c.268-496C>A (NM_001321281.2); c.-74-203C>A (NM_001321283.2); c.-237-496C>A (NM_001321285.2); short protein forms D136E.
Identifiers: ClinVar variation 1737695 (VCV001737695.2), dbSNP rs776926290, ClinGen allele CA9568806.

ClinVar aggregate classification (germline): Uncertain significance (1 of 4 stars; one submission).

Conditions:
Cardiovascular phenotype. Identifiers: MedGen CN230736.

gnomAD v4.1: 3 of 1,611,054 alleles (0.00019%); highest among the groups gnomAD compares: South Asian, 0.0011%; no homozygotes.

Submission:

Ambry Genetics
Classification: Uncertain significance for Cardiovascular phenotype. Last evaluated: 2021-11-24. Review status: criteria provided, single submitter. Criteria: Ambry Variant Classification Scheme 2023. Collection method: clinical testing. Allele origin: germline.
Comment: The p.D136E variant (also known as c.408C>A), located in coding exon 4 of the TRPM4 gene, results from a C to A substitution at nucleotide position 408. The aspartic acid at codon 136 is replaced by glutamic acid, an amino acid with highly similar properties. This amino acid position is conserved. In addition, this alteration is predicted to be tolerated by in silico analysis. Since supporting evidence is limited at this time, the clinical significance of this alteration remains unclear.